The following is an entry in ClinVar:

ClinVar aggregate classification (germline): Likely pathogenic (1 of 4 stars; one submission).

Submission:

GeneDx
Classification: Likely pathogenic. Last evaluated: 2024-07-14. Review status: criteria provided, single submitter. Criteria: GeneDx Variant Classification Process June 2021. Collection method: clinical testing. Allele origin: germline. Affected: yes.
Comment: Frameshift variant predicted to result in abnormal protein length as the last 91 amino acids are replaced with 48 different amino acids, and other similar variants have been reported in HGMD; Not observed at significant frequency in large population cohorts (gnomAD); This variant is associated with the following publications: (PMID: 25644381)

NM_000489.6(ATRX):c.7204dup (p.Ile2402fs)

Gene: ATRX (ATRX chromatin remodeler; minus strand). Cytogenetic location: Xq21.1.
Variant type: Duplication.
Coding change: c.7204dup on transcript NM_000489.6 (MANE Select); coding-DNA position 7204, one base duplicated (A; older notation c.7204dupA).
Protein change: p.Ile2402fs; shifts the reading frame from isoleucine 2402.
Molecular consequence: frameshift variant.
Genome position (GRCh38, 1-based): chrX:77,508,626, T duplicated on the plus strand (A on the coding strand, the reverse complement: ATRX is on the minus strand); the first of 2 consecutive T bases (chrX:77,508,626-77,508,627); duplicating either gives the same sequence. VCF-style (leftmost placement, unchanged base first): chrX-77508625-A-AT. GRCh37 (hg19) VCF-style: chrX-76764103-A-AT.
Other names: c.7090dup, p.Ile2364fs (NM_138270.5); short protein forms I2364fs, I2402fs.
Identifiers: ClinVar variation 3573495 (VCV003573495.1).